The following is an entry in ClinVar:

NM_003597.5(KLF11):c.950T>C (p.Ile317Thr)

Gene: KLF11 (KLF transcription factor 11; plus strand). Cytogenetic location: 2p25.1.
Variant type: single nucleotide variant.
Coding change: c.950T>C on transcript NM_003597.5 (MANE Select); coding-DNA position 950, T replaced by C.
Protein change: p.Ile317Thr; replaces isoleucine 317 with threonine.
Molecular consequence: missense variant.
Genome position (GRCh38, 1-based): chr2:10,048,287, T>C. VCF-style: chr2-10048287-T-C. GRCh37 (hg19) VCF-style: chr2-10188414-T-C.
Other names: c.899T>C, p.Ile300Thr (NM_001177716.2, NM_001177718.2); short protein forms I300T, I317T.
Identifiers: ClinVar variation 2961408 (VCV002961408.3), dbSNP rs780226216, ClinGen allele CA1525644.
Genomic context (GRCh38, chr2:10,048,287, plus strand): 5'-GCATGTTACCAGCTTTTTTGAAGCCCCCTCCCCAGTTGTCTGTGGGGACTGTGAGACCCA[T>C]CCTAGCTCAGGCTGCTCCAGCGCCTCAACCTGTGTTCGTGGGACCTGCTGTGCCTCAGGG-3'
Protein context (NP_003588.1, residues 307-327): PQLSVGTVRP[Ile317Thr]LAQAAPAPQP

ClinVar aggregate classification (germline): Uncertain significance (1 of 4 stars; one submission).

Allele frequency attached by ClinVar (database versions not stated): gnomAD exomes below 0.00001; ExAC 0.00001.
gnomAD v4.1: 2 of 1,603,318 alleles (0.00012%); highest among the groups gnomAD compares: Non-Finnish European, 0.00017%; no homozygotes.

Submission:

Labcorp Genetics (formerly Invitae), Labcorp
Classification: Uncertain significance. Last evaluated: 2024-01-22. Review status: criteria provided, single submitter. Criteria: Invitae Variant Classification Sherloc (09022015). Collection method: clinical testing. Allele origin: germline.
Comment: This sequence change replaces isoleucine, which is neutral and non-polar, with threonine, which is neutral and polar, at codon 317 of the KLF11 protein (p.Ile317Thr). This variant is present in population databases (rs780226216, gnomAD 0.0009%). This variant has not been reported in the literature in individuals affected with KLF11-related conditions. An algorithm developed to predict the effect of missense changes on protein structure and function (PolyPhen-2) suggests that this variant is likely to be disruptive. In summary, the available evidence is currently insufficient to determine the role of this variant in disease. Therefore, it has been classified as a Variant of Uncertain Significance.